The following is an entry in ClinVar:

NM_001009944.3(PKD1):c.4242G>A (p.Trp1414Ter)

Gene: PKD1 (polycystin 1, transient receptor potential channel interacting; minus strand). Cytogenetic location: 16p13.3.
Variant type: single nucleotide variant.
Coding change: c.4242G>A on transcript NM_001009944.3 (MANE Select); coding-DNA position 4242, G replaced by A.
Protein change: p.Trp1414Ter; replaces tryptophan 1414 with a stop codon.
Molecular consequence: nonsense.
Genome position (GRCh38, 1-based): chr16:2,110,925, C>T on the plus strand (G>A on the coding strand, the complement: PKD1 is on the minus strand). VCF-style: chr16-2110925-C-T. GRCh37 (hg19) VCF-style: chr16-2160926-C-T.
Other names: c.4242G>A, p.Trp1414Ter (NM_000296.4); short protein forms W1414*.
Identifiers: ClinVar variation 1807323 (VCV001807323.1), dbSNP rs2092485664, ClinGen allele CA394381045.

ClinVar aggregate classification (germline): Pathogenic (1 of 4 stars; one submission).

Submission:

Athena Diagnostics
Classification: Pathogenic. Last evaluated: 2022-07-26. Review status: criteria provided, single submitter. Criteria: Athena Diagnostics Criteria. Collection method: clinical testing. Allele origin: unknown.
Comment: This variant is expected to result in the loss of a functional protein. This variant has been identified in at least one individual with clinical features associated with this gene. This variant has not been reported in large, multi-ethnic general populations.

Literature cited by the submitters: PubMed 31160911.